The following is an entry in ClinVar:

ClinVar aggregate classification (germline): Conflicting classifications of pathogenicity. Review status: criteria provided, conflicting classifications (1 of 4 stars). 2 submissions from 2 submitters: Likely pathogenic (1); Uncertain significance (1). Last evaluated 2023-06-27.

Conditions:
Malignant hyperthermia, susceptibility to, 5 (MHS5). Also called: CACNA1S-Related Malignant Hyperthermia Susceptibility. Identifiers: Orphanet 423, MedGen C1866077, MONDO:0011163, OMIM 601887.
Hypokalemic periodic paralysis (HOKPP). Identifiers: Orphanet 681, MedGen C0238358, MONDO:0008223.

Submissions (2):

All of Us Research Program, National Institutes of Health
Classification: Uncertain significance for Malignant hyperthermia, susceptibility to, 5. Last evaluated: 2023-06-27. Review status: criteria provided, single submitter. Criteria: ACMG Guidelines, 2015. Collection method: clinical testing. Allele origin: germline. Inheritance: Autosomal dominant inheritance. Observed: 1 variant allele, 1 heterozygote.
Comment: This study involves interpretation of variants in research participants for the purpose of population health screening. Participant phenotype was not available at the time of variant classification. Additional details can be found in publication PMID: 35346344, PMCID: PMC8962531

Women's Health and Genetics/Laboratory Corporation of America, LabCorp
Classification: Likely pathogenic for Hypokalemic periodic paralysis. Last evaluated: 2022-11-22. Review status: criteria provided, single submitter. Criteria: LabCorp Variant Classification Summary - May 2015. Collection method: clinical testing. Allele origin: germline.
Comment: Variant summary: CACNA1S c.4931T>A (p.Leu1644X) results in a premature termination codon, predicted to cause a truncation of the encoded protein or absence of the protein due to nonsense mediated decay, which are commonly known mechanisms for disease. Truncations downstream of this position have been reported in patients affected with Myopathy (see e.g. PMID 28012042), and have been classified as pathogenic in ClinVar (e.g. p.Cys1743Ter). Although a heterozygous frame-shift variant was recently reported in a patient affected with Hypokalaemic periodic paralysis (HOKPP; PMID 34777470), loss of function is not a known disease mechanism for HOKPP and Malignant Hyperthermia Susceptibility (MHS) (see e.g. PMID 33746731). The variant was absent in 251480 control chromosomes (gnomAD). To our knowledge, no occurrence of c.4931T>A in individuals affected with CACNA1S-related phenotype, and no experimental evidence demonstrating its impact on protein function have been reported. No clinical diagnostic laboratories have submitted clinical-significance assessments for this variant to ClinVar after 2014. Based on the evidence outlined above, the variant was classified as likely pathogenic.

NM_000069.3(CACNA1S):c.4931T>A (p.Leu1644Ter)

Gene: CACNA1S (calcium voltage-gated channel subunit alpha1 S; minus strand). Cytogenetic location: 1q32.1.
Variant type: single nucleotide variant.
Coding change: c.4931T>A on transcript NM_000069.3 (MANE Select); coding-DNA position 4931, T replaced by A.
Protein change: p.Leu1644Ter; replaces leucine 1644 with a stop codon.
Molecular consequence: nonsense.
Genome position (GRCh38, 1-based): chr1:201,043,398, A>T on the plus strand (T>A on the coding strand, the complement: CACNA1S is on the minus strand). VCF-style: chr1-201043398-A-T. GRCh37 (hg19) VCF-style: chr1-201012526-A-T.
Other names: short protein forms L1644*.
Identifiers: ClinVar variation 1804873 (VCV001804873.2), dbSNP rs755221742, ClinGen allele CA344136636.